The following is an entry in ClinVar:

NM_001291303.3(FAT4):c.1837G>C (p.Gly613Arg)

Gene: FAT4 (FAT atypical cadherin 4; plus strand). Cytogenetic location: 4q28.1.
Variant type: single nucleotide variant.
Coding change: c.1837G>C on transcript NM_001291303.3 (MANE Select); coding-DNA position 1837, G replaced by C.
Protein change: p.Gly613Arg; replaces glycine 613 with arginine.
Molecular consequence: missense variant. On other transcripts: intron variant (1).
Genome position (GRCh38, 1-based): chr4:125,318,248, G>C. VCF-style: chr4-125318248-G-C. GRCh37 (hg19) VCF-style: chr4-126239403-G-C.
Other names: c.1837G>C, p.Gly613Arg (NM_001291285.3, NM_001438396.1, NM_001438397.1 and 1 more transcripts); c.-55+2271G>C (NM_001437895.1); short protein forms G613R.
Identifiers: ClinVar variation 4278685 (VCV004278685.1).
Genomic context (GRCh38, chr4:125,318,248, plus strand): 5'-GTTGAGAATGCCCCAACAGGGACAGAACTGTTGATGCTCAGGGCAACTGACGGGGACCTG[G>C]GTGACAACGGAACAGTGCGCTTCTCCTTACAAGAGGCAGAGACTGACCGGAGGTCCTTCC-3'
Protein context (NP_001278232.1, residues 603-623): LMLRATDGDL[Gly613Arg]DNGTVRFSLQ

ClinVar aggregate classification (germline): Uncertain significance (1 of 4 stars; one submission).

Submission:

GeneDx
Classification: Uncertain significance. Last evaluated: 2025-03-27. Review status: criteria provided, single submitter. Criteria: GeneDx Variant Classification Process June 2021. Collection method: clinical testing. Allele origin: germline. Affected: yes.
Comment: Not observed at significant frequency in large population cohorts (gnomAD); In silico analysis supports that this missense variant has a deleterious effect on protein structure/function; Has not been previously published as pathogenic or benign to our knowledge